The following is an entry in ClinVar:

ClinVar aggregate classification (germline): Uncertain significance (1 of 4 stars; one submission).

Conditions:
Primary ciliary dyskinesia. Also called: Ciliary dyskinesia. Identifiers: Orphanet 244, MedGen C0008780, MONDO:0016575, HP:0012265.

Allele frequency attached by ClinVar (database versions not stated): gnomAD 0.00001; TOPMed 0.00001; gnomAD exomes 0.00002; ExAC 0.00005.
gnomAD v4.1: 10 of 1,613,288 alleles (0.00062%); highest among the groups gnomAD compares: Non-Finnish European, 0.00017%; no homozygotes.

Submission:

Labcorp Genetics (formerly Invitae), Labcorp
Classification: Uncertain significance for Primary ciliary dyskinesia. Last evaluated: 2020-02-10. Review status: criteria provided, single submitter. Criteria: Invitae Variant Classification Sherloc (09022015). Collection method: clinical testing. Allele origin: germline.
Comment: In summary, the available evidence is currently insufficient to determine the role of this variant in disease. Therefore, it has been classified as a Variant of Uncertain Significance. Algorithms developed to predict the effect of missense changes on protein structure and function output the following: SIFT: "Tolerated"; PolyPhen-2: "Not Available"; Align-GVGD: "Class C0". The glutamic acid amino acid residue is found in multiple mammalian species, suggesting that this missense change does not adversely affect protein function. These predictions have not been confirmed by published functional studies and their clinical significance is uncertain. This variant has not been reported in the literature in individuals with DRC1-related conditions. This variant is present in population databases (rs770464153, ExAC 0.008%). This sequence change replaces alanine with glutamic acid at codon 24 of the DRC1 protein (p.Ala24Glu). The alanine residue is weakly conserved and there is a moderate physicochemical difference between alanine and glutamic acid.

NM_145038.5(DRC1):c.71C>A (p.Ala24Glu)

Gene: DRC1 (dynein regulatory complex subunit 1; plus strand). Cytogenetic location: 2p23.3.
Variant type: single nucleotide variant.
Coding change: c.71C>A on transcript NM_145038.5 (MANE Select); coding-DNA position 71, C replaced by A.
Protein change: p.Ala24Glu; replaces alanine 24 with glutamic acid.
Molecular consequence: missense variant.
Genome position (GRCh38, 1-based): chr2:26,402,060, C>A. VCF-style: chr2-26402060-C-A. GRCh37 (hg19) VCF-style: chr2-26624928-C-A.
Other names: short protein forms A24E.
Identifiers: ClinVar variation 1038406 (VCV001038406.9), dbSNP rs770464153, ClinGen allele CA1561732.
Genomic context (GRCh38, chr2:26,402,060, plus strand): 5'-CGGGGTCCCTAGAGGCCCTGGACCCGAACGTGGACGAGCACTTGTCCACCCAGATTCTCG[C>A]GCCCTCGGTCCACTCCGACAACTCTCAGGAGCGCATCCAGGCCCGGCGCCTCCGCATCGC-3'
Protein context (NP_659475.2, residues 14-34): VDEHLSTQIL[Ala24Glu]PSVHSDNSQE